The following is an entry in ClinVar:

NM_000548.5(TSC2):c.2680G>C (p.Ala894Pro)

Gene: TSC2 (TSC complex subunit 2; plus strand). Cytogenetic location: 16p13.3.
Variant type: single nucleotide variant.
Coding change: c.2680G>C on transcript NM_000548.5 (MANE Select); coding-DNA position 2680, G replaced by C.
Protein change: p.Ala894Pro; replaces alanine 894 with proline.
Molecular consequence: missense variant.
Genome position (GRCh38, 1-based): chr16:2,076,108, G>C. VCF-style: chr16-2076108-G-C. GRCh37 (hg19) VCF-style: chr16-2126109-G-C.
Other names: c.2680G>C, p.Ala894Pro (NM_001077183.3, NM_001114382.3, NM_001363528.2 and 3 more transcripts); c.2569G>C, p.Ala857Pro (NM_001318827.2); c.2533G>C, p.Ala845Pro (NM_001318829.2); c.2080G>C, p.Ala694Pro (NM_001318831.2); c.2713G>C, p.Ala905Pro (NM_001318832.2); short protein forms A694P, A845P, A857P, A894P, A905P.
Identifiers: ClinVar variation 1335195 (VCV001335195.41), dbSNP rs1379507306, ClinGen allele CA394279332.

ClinVar aggregate classification (germline): Conflicting classifications of pathogenicity. Review status: criteria provided, conflicting classifications (1 of 4 stars). 3 submissions from 3 submitters: Uncertain significance (2); Likely benign (1). Last evaluated 2025-06-16.

Conditions:
Hereditary cancer-predisposing syndrome. Also called: Hereditary Cancer Syndrome; Tumor predisposition; Neoplastic Syndromes, Hereditary; Hereditary neoplastic syndrome. Identifiers: Orphanet 140162, MedGen C0027672, MeSH D009386, MONDO:0015356.
Tuberous sclerosis 2 (TSC2). Identifiers: Orphanet 805, MedGen C1860707, MONDO:0013199, OMIM 613254.

Allele frequency attached by ClinVar (database versions not stated): gnomAD exomes below 0.00001.
gnomAD v4.1: 4 of 1,613,956 alleles (0.00025%); highest among the groups gnomAD compares: Non-Finnish European, 0.00034%; no homozygotes.

Submissions (3):

Ambry Genetics
Classification: Uncertain significance for Hereditary cancer-predisposing syndrome. Last evaluated: 2025-06-16. Review status: criteria provided, single submitter. Criteria: Ambry Variant Classification Scheme 2023. Collection method: clinical testing. Allele origin: germline.
Comment: The p.A894P variant (also known as c.2680G>C), located in coding exon 23 of the TSC2 gene, results from a G to C substitution at nucleotide position 2680. The alanine at codon 894 is replaced by proline, an amino acid with highly similar properties. This amino acid position is highly conserved in available vertebrate species. In addition, this alteration is predicted to be deleterious by in silico analysis. Based on the available evidence, the clinical significance of this variant remains unclear.

Labcorp Genetics (formerly Invitae), Labcorp
Classification: Likely benign for Tuberous sclerosis 2. Last evaluated: 2024-04-30. Review status: criteria provided, single submitter. Criteria: Invitae Variant Classification Sherloc (09022015). Collection method: clinical testing. Allele origin: germline.

CeGaT Center for Human Genetics Tuebingen
Classification: Uncertain significance. Last evaluated: 2021-10-01. Review status: criteria provided, single submitter. Criteria: CeGaT Center For Human Genetics Tuebingen Variant Classification Criteria Version 2. Collection method: clinical testing. Allele origin: germline. Affected: yes. Observed: 1 variant allele.